The following is an entry in ClinVar:

ClinVar aggregate classification (germline): Likely benign. Review status: criteria provided, single submitter (1 of 4 stars). 2 submissions from 2 submitters: Likely benign (1). 1 of the submissions does not count toward it. Last evaluated 2025-09-12.

Conditions:
Cataract 12 multiple types. Identifiers: Orphanet 91492, MedGen C3808115, MONDO:0012701, OMIM 611597.
BFSP2-related disorder. Also called: BFSP2-related condition.

Allele frequency attached by ClinVar (database versions not stated): gnomAD 0.00001 and 0.00002; gnomAD exomes 0.00006 and 0.00016; TOPMed 0.00010; ExAC 0.00014.
gnomAD v4.1: 42 of 1,614,058 alleles (0.0026%); highest among the groups gnomAD compares: Admixed American, 0.067%; no homozygotes.

Submissions (2):

Labcorp Genetics (formerly Invitae), Labcorp
Classification: Likely benign for Cataract 12 multiple types. Last evaluated: 2025-09-12. Review status: criteria provided, single submitter. Criteria: Invitae Variant Classification Sherloc (09022015). Collection method: clinical testing. Allele origin: germline.

PreventionGenetics, part of Exact Sciences
Classification: Likely benign for BFSP2-related condition. Last evaluated: 2024-02-27. Review status: no assertion criteria provided. Collection method: clinical testing. Allele origin: germline. Not counted in ClinVar's aggregate classification.
Comment: This variant is classified as likely benign based on ACMG/AMP sequence variant interpretation guidelines (Richards et al. 2015 PMID: 25741868, with internal and published modifications).

NM_003571.4(BFSP2):c.24G>A (p.Val8=)

Gene: BFSP2 (beaded filament structural protein 2; plus strand). Cytogenetic location: 3q22.1.
Variant type: single nucleotide variant.
Coding change: c.24G>A on transcript NM_003571.4 (MANE Select); coding-DNA position 24, G replaced by A.
Protein change: p.Val8=; no amino-acid change (valine 8 retained).
Molecular consequence: synonymous variant.
Genome position (GRCh38, 1-based): chr3:133,400,107, G>A. VCF-style: chr3-133400107-G-A. GRCh37 (hg19) VCF-style: chr3-133118951-G-A.
Other names: c.24G>A (NM_003571.3).
Identifiers: ClinVar variation 1118999 (VCV001118999.11), dbSNP rs777311531, ClinGen allele CA2623157.
Genomic context (GRCh38, chr3:133,400,107, plus strand): 5'-TGTAAACCCACTGGGCACCACAGAGGCAGAAGGGGTGATGAGTGAGAGGCGAGTGGTAGT[G>A]GACTTGCCCACCAGTGCCAGCTCCAGCATGCCCCTCCAGAGGCGCAGGGCGTCCTTCAGG-3'
Protein context (NP_003562.1, residues 1-18): MSERRVV[Val8=]DLPTSASSSM